The following is an entry in ClinVar:

ClinVar aggregate classification (germline): Uncertain significance. Review status: criteria provided, single submitter (1 of 4 stars). 2 submissions from 2 submitters: Uncertain significance (1). 1 of the submissions does not count toward it. Last evaluated 2025-08-29.

Conditions:
Isovaleryl-CoA dehydrogenase deficiency (IVA). Also called: ISOVALERIC ACID CoA DEHYDROGENASE DEFICIENCY; Classic Isovaleric Acidemia; Isovaleric acidemia; IVD DEFICIENCY. Identifiers: Orphanet 33, MedGen C0268575, MONDO:0009475, OMIM 243500.

Allele frequency attached by ClinVar (database versions not stated): ExAC 0.00001.
gnomAD v4.1: 1 of 1,614,082 alleles (0.000062%); no homozygotes.

Submissions (2):

Myriad Genetics, Inc.
Classification: Uncertain significance for Isovaleryl-CoA dehydrogenase deficiency. Last evaluated: 2025-08-29. Review status: criteria provided, single submitter. Criteria: Myriad Autosomal Dominant, Autosomal Recessive and X-Linked Classification Criteria (2023). Collection method: clinical testing. Allele origin: unknown.
Comment: NM_002225.3(IVD):c.865G>A(V289M) is a missense variant classified as a variant of uncertain significance in the context of isovaleric acidemia. V289M has been observed in a case with relevant disease (PMID: 38784038). Relevant functional assessments of this variant are not available in the literature. V289M has been observed in referenced population frequency databases. In summary, there is insufficient evidence to classify NM_002225.3(IVD):c.865G>A(V289M) as pathogenic or benign. Please note: this variant was assessed in the context of healthy population screening.

Neonatal Disease Screening Center, Medical Genetics Center, Huaihua City Maternal and Child Health Care Hospital
Classification: Uncertain significance for Isovaleryl-CoA dehydrogenase deficiency. Review status: no assertion criteria provided. Criteria: ACMG Guidelines, 2015. Collection method: clinical testing. Allele origin: germline. Affected: yes. Observed: 1 variant allele. Not counted in ClinVar's aggregate classification.
Comment: PM2_P+PM3+PP3+PP4

Literature cited by the submitters: PubMed 38784038 (cited by Myriad Genetics, Inc.).

NM_002225.5(IVD):c.856G>A (p.Val286Met)

Gene: IVD (isovaleryl-CoA dehydrogenase; plus strand). Cytogenetic location: 15q15.1.
Variant type: single nucleotide variant.
Coding change: c.856G>A on transcript NM_002225.5 (MANE Select); coding-DNA position 856, G replaced by A.
Protein change: p.Val286Met; replaces valine 286 with methionine.
Molecular consequence: missense variant. On other transcripts: non-coding transcript variant (1).
Genome position (GRCh38, 1-based): chr15:40,414,960, G>A. VCF-style: chr15-40414960-G-A. GRCh37 (hg19) VCF-style: chr15-40707159-G-A.
Other names: c.766G>A, p.Val256Met (NM_001159508.3); c.808G>A, p.Val270Met (NM_001354597.3); c.856G>A, p.Val286Met (NM_001354598.3, NM_001354601.3); c.943G>A, p.Val315Met (NM_001354599.3, NM_001354600.3); short protein forms V256M, V270M, V286M, V315M.
Identifiers: ClinVar variation 3061794 (VCV003061794.3), dbSNP rs770077099, ClinGen allele CA7480765.
Genomic context (GRCh38, chr15:40,414,960, plus strand): 5'-CTGGGCCATGAGAATAAGGGTGTCTACGTGCTGATGAGTGGGCTGGACCTGGAGCGGCTG[G>A]TGCTGGCCGGGGGGCCTCTTGGGTAAGTGTGAGAGGCTTGAGGGAAGCTGGGCTCTGTCG-3'
Protein context (NP_002216.3, residues 276-296): LMSGLDLERL[Val286Met]LAGGPLGLMQ